The following is an entry in ClinVar:

NM_000214.3(JAG1):c.853G>A (p.Glu285Lys)

Gene: JAG1 (jagged canonical Notch ligand 1; minus strand). Cytogenetic location: 20p12.2.
Variant type: single nucleotide variant.
Coding change: c.853G>A on transcript NM_000214.3 (MANE Select); coding-DNA position 853, G replaced by A.
Protein change: p.Glu285Lys; replaces glutamic acid 285 with lysine.
Molecular consequence: missense variant.
Genome position (GRCh38, 1-based): chr20:10,652,501, C>T on the plus strand (G>A on the coding strand, the complement: JAG1 is on the minus strand). VCF-style: chr20-10652501-C-T. GRCh37 (hg19) VCF-style: chr20-10633149-C-T.
Other names: short protein forms E285K.
Identifiers: ClinVar variation 3573146 (VCV003573146.2).

Conditions:
Arteriohepatic dysplasia. Also called: Alagille Syndrome. Identifiers: Orphanet 52, MedGen C0085280, MeSH D016738, MONDO:0007318.

Submission:

Gilbert/Spinner Lab, Children's Hospital of Philadelphia
No classification provided (evidence only). Condition: Alagille syndrome. Review status: no classification provided. Collection method: research. Allele origin: not applicable. Functional consequence: functionally_abnormal.
ClinVar note: "not provided" was previously submitted as the classification for the variant. However, the classification appeared to be based only on an observation of functional data so it was converted to no classification on 2025-07-30.